The following is an entry in ClinVar:

NM_000516.7(GNAS):c.136C>T (p.Leu46=)

Gene: GNAS (GNAS complex locus; plus strand). Cytogenetic location: 20q13.32.
Variant type: single nucleotide variant.
Coding change: c.136C>T on transcript NM_000516.7 (MANE Select); coding-DNA position 136, C replaced by T.
Protein change: p.Leu46=; no amino-acid change (leucine 46 retained).
Molecular consequence: synonymous variant. On other transcripts: intron variant (6).
Genome position (GRCh38, 1-based): chr20:58,891,862, C>T. VCF-style: chr20-58891862-C-T. GRCh37 (hg19) VCF-style: chr20-57466917-C-T.
Other names: c.136C>T, p.Leu46= (NM_001077488.5, NM_001077489.4, NM_001309842.2 and 1 more transcripts); c.*43-3750C>T (NM_016592.5); c.-38-3750C>T (NM_001309861.2); c.*1-3750C>T (NM_001077490.3); c.2069-3750C>T (NM_080425.4); c.*159-3750C>T (NM_001309883.1); c.-39+2509C>T (NM_001309840.2); c.136C>T (NM_000516.5).
Identifiers: ClinVar variation 1597362 (VCV001597362.12), dbSNP rs775009418, ClinGen allele CA9926892.

ClinVar aggregate classification (germline): Likely benign. Review status: criteria provided, multiple submitters, no conflicts (2 of 4 stars). 4 submissions from 4 submitters: Likely benign (3). 1 of the submissions does not count toward it. Last evaluated 2026-06-01.

Conditions:
GNAS-related disorder. Identifiers: MedGen CN380105.
McCune-Albright syndrome (MAS). Also called: Fibrous Dysplasia / McCune-Albright Syndrome; ALBRIGHT SYNDROME; McCune-Albright syndrome, somatic, mosaic; Albright's Syndrome; Albright's disease. Identifiers: Orphanet 562, MedGen C0242292, MONDO:0018919, OMIM 174800.
ACTH-independent macronodular adrenal hyperplasia 1 (AIMAH1). Also called: ACTH-INDEPENDENT MACRONODULAR ADRENOCORTICAL HYPERPLASIA; ACTH-independent macronodular adrenal hyperplasia, somatic; CUSHING SYNDROME, ADRENAL, DUE TO AIMAH; ADRENOCORTICOTROPIC HORMONE-INDEPENDENT MACRONODULAR ADRENAL HYPERPLASIA; CORTICOTROPIN-INDEPENDENT MACRONODULAR ADRENAL HYPERPLASIA. Identifiers: MedGen C1857451, MONDO:0020735, OMIM 219080.
Pseudohypoparathyroidism type I A (PHP1A). Also called: ALBRIGHT HEREDITARY OSTEODYSTROPHY WITH MULTIPLE HORMONE RESISTANCE; Pseudohypoparathyroidism Ia (PHP-Ia); PHP IA; Pseudohypoparathyroidism Type IA; Pseudohypoparathyroidism type 1A. Identifiers: Orphanet 79443, MedGen C3494506, MONDO:0007078, OMIM 103580.
Pseudohypoparathyroidism type 1C (PHP1C). Also called: PSEUDOHYPOPARATHYROIDISM, TYPE IC; PHP IC; Pseudohypoparathyroidism Ic (PHP-Ic). Identifiers: Orphanet 79444, MedGen C2932716, MONDO:0012911, OMIM 612462.
Pseudohypoparathyroidism type 1B (PHP1B). Also called: Pseudohypoparathyroidism Type IB; Pseudohypoparathyroidism Ib (PHP-Ib); PHP IB. Identifiers: Orphanet 94089, MedGen C1864100, MONDO:0011301, OMIM 603233.
Pseudopseudohypoparathyroidism (PPHP). Also called: Pseudopseudohypoparathyroidism (PPHP); ALBRIGHT HEREDITARY OSTEODYSTROPHY WITHOUT MULTIPLE HORMONE RESISTANCE. Identifiers: Orphanet 79445, MedGen C0033835, MONDO:0012912, OMIM 612463.
Progressive osseous heteroplasia (POH). Also called: Progressive Osseus Heteroplasia (POH); ECTOPIC OSSIFICATION, FAMILIAL; Osseus Heteroplasia, Progressive; Osteoma cutis. Identifiers: Orphanet 2762, MedGen C0334041, MONDO:0008153, OMIM 166350, HP:0025027.
Pituitary adenoma 3, multiple types. Also called: PITUITARY ADENOMA 3, ACTH-SECRETING, SOMATIC; PITUITARY ADENOMA 3, GROWTH HORMONE-SECRETING, SOMATIC. Identifiers: MedGen C4540135, MONDO:0054665, OMIM 617686.

Allele frequency attached by ClinVar (database versions not stated): gnomAD 0.00001; ExAC 0.00002; gnomAD exomes 0.00005.
gnomAD v4.1: 33 of 1,222,996 alleles (0.0027%); highest among the groups gnomAD compares: Admixed American, 0.021%; no homozygotes.

Submissions (4):

CeGaT Center for Human Genetics Tuebingen
Classification: Likely benign. Last evaluated: 2026-06-01. Review status: criteria provided, single submitter. Criteria: CeGaT Center For Human Genetics Tuebingen Variant Classification Criteria Version 2. Collection method: clinical testing. Allele origin: germline. Affected: yes. Observed: 1 variant allele.
Comment: GNAS: BP4, BP7

Labcorp Genetics (formerly Invitae), Labcorp
Classification: Likely benign. Last evaluated: 2025-11-24. Review status: criteria provided, single submitter. Criteria: Invitae Variant Classification Sherloc (09022015). Collection method: clinical testing. Allele origin: germline.

Fulgent Genetics
Classification: Likely benign for Pseudohypoparathyroidism type I A; Progressive osseous heteroplasia; McCune-Albright syndrome; ACTH-independent macronodular adrenal hyperplasia 1; Pseudohypoparathyroidism type 1B; Pseudohypoparathyroidism type 1C; Pseudopseudohypoparathyroidism; Pituitary adenoma 3, multiple types. Last evaluated: 2021-12-29. Review status: criteria provided, single submitter. Criteria: ACMG Guidelines, 2015. Collection method: clinical testing. Allele origin: unknown.

PreventionGenetics, part of Exact Sciences
Classification: Likely benign for GNAS-related condition. Last evaluated: 2020-06-01. Review status: no assertion criteria provided. Collection method: clinical testing. Allele origin: germline. Not counted in ClinVar's aggregate classification.
Comment: This variant is classified as likely benign based on ACMG/AMP sequence variant interpretation guidelines (Richards et al. 2015 PMID: 25741868, with internal and published modifications).